The following is an entry in ClinVar:

NM_007294.4(BRCA1):c.5303G>T (p.Cys1768Phe)

Gene: BRCA1 (BRCA1 DNA repair associated; minus strand). Cytogenetic location: 17q21.31.
Variant type: single nucleotide variant.
Coding change: c.5303G>T on transcript NM_007294.4 (MANE Select); coding-DNA position 5303, G replaced by T.
Protein change: p.Cys1768Phe; replaces cysteine 1768 with phenylalanine.
Molecular consequence: missense variant. On other transcripts: non-coding transcript variant (1).
Genome position (GRCh38, 1-based): chr17:43,051,092, C>A on the plus strand (G>T on the coding strand, the complement: BRCA1 is on the minus strand). VCF-style: chr17-43051092-C-A. GRCh37 (hg19) VCF-style: chr17-41203109-C-A.
Other names: c.5087G>T, p.Cys1696Phe (NM_001407915.1, NM_001407916.1, NM_001407917.1 and 1 more transcripts); c.5039G>T, p.Cys1680Phe (NM_001407926.1, NM_001407920.1, NM_001407921.1 and 4 more transcripts); c.5036G>T, p.Cys1679Phe (NM_001407927.1, NM_001407928.1, NM_001407929.1 and 4 more transcripts); c.5033G>T, p.Cys1678Phe (NM_001407934.1, NM_001407935.1, NM_001407936.1); c.5159G>T, p.Cys1720Phe (NM_001407945.1, NM_001407732.1, NM_001407743.1 and 21 more transcripts); c.4970G>T, p.Cys1657Phe (NM_001407946.1, NM_001407947.1, NM_001407948.1 and 1 more transcripts); c.4967G>T, p.Cys1656Phe (NM_001407950.1, NM_001407951.1, NM_001407952.1 and 3 more transcripts); c.4796G>T, p.Cys1599Phe (NM_001407965.1); and 72 more; short protein forms C1721F, C1768F, C1789F, C664F, C1599F, C1639F, C1657F, C1698F.
Identifiers: ClinVar variation 865284 (VCV000865284.3), dbSNP rs730881497, ClinGen allele CA10590942.

Conditions:
Breast-ovarian cancer, familial, susceptibility to, 1 (BROVCA1). Also called: BRCA1 Hereditary Breast and Ovarian Cancer; OVARIAN CANCER, SUSCEPTIBILITY TO. Identifiers: Orphanet 145, MedGen C2676676, MONDO:0011450, OMIM 604370. Disease mechanism: loss of function.

Submission:

Brotman Baty Institute, University of Washington
No classification provided (evidence only). Condition: Breast-ovarian cancer, familial 1. Review status: no classification provided. Collection method: in vitro. Allele origin: not applicable. Functional consequence: functionally_abnormal.
ClinVar note: "not provided" was previously submitted as the classification for the variant. However, the classification appeared to be based only on an observation of functional data so it was converted to no classification on 2025-07-30.